The following is an entry in ClinVar:

ClinVar aggregate classification (germline): Pathogenic (0 of 4 stars; one submission).

Conditions:
Endometrial carcinoma. Also called: Endometrial carcinoma, somatic. Identifiers: MedGen C0476089, MONDO:0002447, OMIM 608089, HP:0012114.

Submission:

Department of Pathology and Laboratory Medicine, Sinai Health System
Classification: Pathogenic for Endometrial carcinoma. Review status: no assertion criteria provided. Collection method: clinical testing. Allele origin: unknown. Affected: yes. Observed: 3 variant alleles. Study: The Canadian Open Genetics Repository (COGR).
Comment: The PMS2 c.989-?_1144+?del variant (chr:7 g.6029431_6029586del GRCh37) results in a deletion of exon 10, the precise breakpoints of this deletion were not determined, nor were the effects of this variant on the resulting mRNA or protein product determined. The PMS2 c.989-?_1144+?del variant was identified in 10 of 2736 proband chromosomes (frequency: 0.004) from individuals or families with colorectal cancer, Lynch syndrome, and endometrial cancer (Jâˆšâ‰¥ri 2015, Senter 2008, Van der Klift 2005, van der Klift 2010, Hendriks 2006, Overbeek 2007, Tomsic 2013). The variant was also identified in the following databases: ClinVar (1x, as pathogenic by Invitae), Clinvitae (1x, as pathogenic by Invitae), Insight Colon Cancer Gene Variant Database (10x, as class 5 pathogenic with break points identified as: c.898-296_1144+706del), Mismatch Repair Genes Variant Database (3x), Insight Hereditary Tumors Database (reported 8x). The variant was not identified in dbSNP, Cosmic, MutDB and Zhejiang Colon Cancer Databases. The variant was not identified in the 1000 Genomes Project, the NHLBI GO Exome Sequencing Project or the Exome Aggregation Consortium (August 8th 2016) control databases. The c.989-?_1144+?del variant has been identified as pathogenic in multiple studies utilizing techniques such as RT-PCR, long range PCR, Southern blot, MLPA and RNA base long range PCR (Jâˆšâ‰¥ri 2015, Senter 2008, Van der Klift 2005, van der Klift 2010, Hendriks 2006, Overbeek 2007, Tomsic 2013). The break points for this variant has been identified by multiple studies as (c.989-296_144+706del) and confirmed as identical in all subjects (van der Klift 2005, Overbeek 2007, Tomsic 2013). Genotyping and haplotype analyses found evidence of a shared haplotypes present in all unrelated subjects and 2 of 80 control cases, suggesting that this is a founder mutation. All subjects were Caucasian with unknown ancestral origin (Tomsic 2013). This variant is an in-frame deletion resulting in the removal of PMS2 exon 10. This deletion is predicted to result in altered protein product and loss of function. Loss of function variants of the PMS2 gene are an established mechanism of disease in Lynch syndrome and this is the type of variant expected to cause the disorder. In summary, based on the above information this variant meets our laboratoryâ€šÃ„Ã´s criteria to be classified as pathogenic.

NM_000535.7(PMS2):c.989-1_1144+2del

Gene: PMS2 (PMS1 homolog 2, mismatch repair system component; minus strand). Cytogenetic location: 7p22.1.
Variant type: Deletion.
Coding change: c.989-1_1144+2del on transcript NM_000535.7 (MANE Select); the canonical splice acceptor site of the intron before coding-DNA position 989 through the canonical splice donor site of the intron after coding-DNA position 1144, 159 bases deleted.
Molecular consequence: splice acceptor variant, splice donor variant. On other transcripts: intron variant (2).
Genome position (GRCh38, 1-based): chr7:5,989,798-5,989,956, 159 bases deleted. GRCh37 (hg19): chr7:6,029,429-6,029,587.
Other names: c.671-1_826+2del (NM_001322008.2, NM_001322007.2); c.583+2017_583+2175del (NM_001322010.2); c.584-1_739+2del (NM_001322004.2, NM_001322003.2, NM_001322009.2 and 1 more transcripts); c.416-1_571+2del (NM_001322013.2); c.56-1_211+2del (NM_001322012.2, NM_001322011.2); c.680-1_835+2del (NM_001322015.2); c.988+2017_988+2175del (NM_001322006.2); c.989-1_1144+2del (NM_001322014.2).
Identifiers: ClinVar variation 1049209 (VCV001049209.1), dbSNP rs2128746824, ClinGen allele CA2499218967.